The following is an entry in ClinVar:

NM_000552.5(VWF):c.8378T>C (p.Val2793Ala)

Gene: VWF (von Willebrand factor; minus strand). Cytogenetic location: 12p13.31.
Variant type: single nucleotide variant.
Coding change: c.8378T>C on transcript NM_000552.5 (MANE Select); coding-DNA position 8378, T replaced by C.
Protein change: p.Val2793Ala; replaces valine 2793 with alanine.
Molecular consequence: missense variant.
Genome position (GRCh38, 1-based): chr12:5,949,079, A>G on the plus strand (T>C on the coding strand, the complement: VWF is on the minus strand). VCF-style: chr12-5949079-A-G. GRCh37 (hg19) VCF-style: chr12-6058245-A-G.
Other names: short protein forms V2793A.
Identifiers: ClinVar variation 437264 (VCV000437264.29), dbSNP rs143743709, ClinGen allele CA6401320.

ClinVar aggregate classification (germline): Uncertain significance. Review status: criteria provided, multiple submitters, no conflicts (2 of 4 stars). 8 submissions from 8 submitters: Uncertain significance (8). Last evaluated 2026-08-22.

Conditions:
VWF-related disorder. Also called: VWF-related condition; VWF-related disorders.

Allele frequency attached by ClinVar (database versions not stated): gnomAD exomes 0.00015 and 0.00047; ExAC 0.00046; 1000 Genomes Project 30x 0.00156; gnomAD 0.00159 and 0.00168; 1000 Genomes Project 0.00160; TOPMed 0.00195; ESP Exome Variant Server 0.00208.
gnomAD v4.1: 468 of 1,614,212 alleles (0.029%); highest among the groups gnomAD compares: African/African-American, 0.53%; no homozygotes.

Submissions (8):

PreventionGenetics, part of Exact Sciences
Classification: Uncertain significance for VWF-related condition. Last evaluated: 2026-08-22. Review status: criteria provided, single submitter. Criteria: ACMG Guidelines, 2015. Collection method: clinical testing. Allele origin: germline.
Comment: The VWF c.8378T>C variant is predicted to result in the amino acid substitution p.Val2793Ala. This variant has been reported in healthy controls (Bellissimo et al. 2011. PubMed ID: 22197721; Table S2, Sadler et al. 2021. PubMed ID: 33556167). This variant is reported in 0.58% of alleles in individuals of African descent in gnomAD. Although we suspect that this variant may be benign, at this time, the clinical significance of this variant is uncertain due to the absence of conclusive functional and genetic evidence.

Women's Health and Genetics/Laboratory Corporation of America, LabCorp
Classification: Uncertain significance. Last evaluated: 2026-06-05. Review status: criteria provided, single submitter. Criteria: LabCorp Variant Classification Summary - May 2015. Collection method: clinical testing. Allele origin: germline.
Comment: Variant summary: VWF c.8378T>C (p.Val2793Ala) results in a non-conservative amino acid change located in the Cystine knot, C-terminal domain (IPR006207) of the encoded protein sequence. Algorithms developed to predict the effect of missense changes on protein structure and function are either unavailable or do not agree on the potential impact of this missense change. The variant allele was found at a frequency of 0.00047 in 250990 control chromosomes. This frequency is not significantly higher than estimated for disease-causing variants in VWF, allowing no conclusion about variant significance. c.8378T>C has been observed in the literature in healthy individuals and haemolytic uraemic syndrome patients (Bellissimo_2012, Sadler_2021, Connaughton_2023), but not in individuals affected with Von Willebrand Disease. To our knowledge, no experimental evidence demonstrating an impact on protein function has been reported. The following publications have been ascertained in the context of this evaluation (PMID: 22197721, 37466676, 33556167). ClinVar contains an entry for this variant (Variation ID: 437264). Based on the evidence outlined above, the variant was classified as uncertain significance.

ARUP Laboratories, Molecular Genetics and Genomics, ARUP Laboratories
Classification: Uncertain significance. Last evaluated: 2025-07-24. Review status: criteria provided, single submitter. Criteria: ARUP Molecular Germline Variant Investigation Process 2024. Collection method: clinical testing. Allele origin: germline.
Comment: The VWF c.8378T>C; p.Val2793Ala variant (rs143743709, ClinVar Variation ID: 437264) is reported in the literature in healthy control individuals (Bellissimo 2012, Sadler 2021). This variant is found in the general population with an overall allele frequency of 0.06% (165/276772 alleles) in the Genome Aggregation Database (v2.1.1), with an increased frequency of 0.6% in the African population. Computational analyses predict that this variant is neutral (REVEL: 0.1). Due to limited information, the clinical significance of this variant is uncertain at this time. References: Bellissimo DB et al. VWF mutations and new sequence variations identified in healthy controls are more frequent in the African-American population. Blood. 2012 Mar 1;119(9):2135-40. PMID: 22197721. Sadler B et al. von Willebrand factor antigen levels are associated with burden of rare nonsynonymous variants in the VWF gene. Blood. 2021 Jun 10;137(23):3277-3283. PMID: 33556167.

Quest Diagnostics Nichols Institute San Juan Capistrano
Classification: Uncertain significance. Last evaluated: 2025-05-05. Review status: criteria provided, single submitter. Criteria: Quest Diagnostics criteria. Collection method: clinical testing. Allele origin: unknown.
Comment: The VWF c.8378T>C (p.Val2793Ala) variant has been reported in the published literature in an individual with Atypical hemolytic uremic syndrome (aHUS) (PMID: 37466676 (2023)) and in reportedly unaffected individuals (PMID: 22197721 (2012), 33556167 (2022)). The frequency of this variant in the general population (Genome Aggregation Database) is uninformative in the assessment of its pathogenicity. Analysis of this variant using bioinformatics tools for the prediction of the effect of amino acid changes on protein structure and function yielded predictions that this variant is benign. Based on the available information, we are unable to determine the clinical significance of this variant.

GeneDx
Classification: Uncertain significance. Last evaluated: 2025-04-16. Review status: criteria provided, single submitter. Criteria: GeneDx Variant Classification Process June 2021. Collection method: clinical testing. Allele origin: germline. Affected: yes.
Comment: In silico analysis indicates that this missense variant does not alter protein structure/function; Observed in healthy controls in the published literature (PMID: 33556167, 22197721); This variant is associated with the following publications: (PMID: 26420797, 22197721, 33556167, 37466676)

Mayo Clinic Laboratories, Mayo Clinic
Classification: Uncertain significance. Last evaluated: 2024-05-09. Review status: criteria provided, single submitter. Criteria: ACMG Guidelines, 2015. Collection method: clinical testing. Allele origin: germline. Observed: 3 variant alleles.
Comment: BP4, PM1_supporting

Genetic Services Laboratory, University of Chicago
Classification: Uncertain significance. Last evaluated: 2017-01-19. Review status: criteria provided, single submitter. Criteria: ACMG Guidelines, 2015. Collection method: clinical testing. Allele origin: germline. Affected: no.

Breakthrough Genomics
Classification: Uncertain significance. Review status: criteria provided, single submitter. Criteria: ACMG Guidelines, 2015. Collection method: not provided. Allele origin: germline. Inheritance: Autosomal recessive inheritance. Affected: yes.

Literature cited by the submitters: PubMed 33556167 (cited by Women's Health and Genetics/Laboratory Corporation of America, LabCorp and Quest Diagnostics Nichols Institute San Juan Capistrano); PubMed 22197721 (cited by Women's Health and Genetics/Laboratory Corporation of America, LabCorp and Quest Diagnostics Nichols Institute San Juan Capistrano); PubMed 37466676 (cited by Women's Health and Genetics/Laboratory Corporation of America, LabCorp and Quest Diagnostics Nichols Institute San Juan Capistrano).